The following is an entry in ClinVar:

ClinVar aggregate classification (germline): Uncertain significance. Review status: criteria provided, multiple submitters, no conflicts (2 of 4 stars). 2 submissions from 2 submitters: Uncertain significance (2). Last evaluated 2026-03-26.

Conditions:
INPP5E-related disorder. Also called: INPP5E-related condition.
Joubert syndrome. Also called: Familial aplasia of the vermis; JOUBERT-BOLTSHAUSER SYNDROME. Identifiers: Orphanet 475, MedGen C5979921, MONDO:0018772.

Allele frequency attached by ClinVar (database versions not stated): TOPMed below 0.00001; ExAC 0.00001; gnomAD 0.00001; gnomAD exomes 0.00001.
gnomAD v4.1: 12 of 1,589,560 alleles (0.00075%); highest among the groups gnomAD compares: South Asian, 0.0022%; no homozygotes.

Submissions (2):

PreventionGenetics, part of Exact Sciences
Classification: Uncertain significance for INPP5E-related condition. Last evaluated: 2026-03-26. Review status: criteria provided, single submitter. Criteria: ACMG Guidelines, 2015. Collection method: clinical testing. Allele origin: germline.
Comment: The INPP5E c.1105G>A variant is predicted to result in the amino acid substitution p.Gly369Ser. To our knowledge, this variant has not been reported in the literature. This variant is reported in 0.0018% of alleles in individuals of European (Non-Finnish) descent in gnomAD. At this time, the clinical significance of this variant is uncertain due to the absence of conclusive functional and genetic evidence.

Labcorp Genetics (formerly Invitae), Labcorp
Classification: Uncertain significance for Joubert syndrome. Last evaluated: 2024-12-02. Review status: criteria provided, single submitter. Criteria: Invitae Variant Classification Sherloc (09022015). Collection method: clinical testing. Allele origin: germline.
Comment: This sequence change replaces glycine, which is neutral and non-polar, with serine, which is neutral and polar, at codon 369 of the INPP5E protein (p.Gly369Ser). The frequency data for this variant in the population databases is considered unreliable, as metrics indicate poor data quality at this position in the gnomAD database. This variant has not been reported in the literature in individuals affected with INPP5E-related conditions. ClinVar contains an entry for this variant (Variation ID: 1370452). Invitae Evidence Modeling of protein sequence and biophysical properties (such as structural, functional, and spatial information, amino acid conservation, physicochemical variation, residue mobility, and thermodynamic stability) indicates that this missense variant is expected to disrupt INPP5E protein function with a positive predictive value of 95%. In summary, the available evidence is currently insufficient to determine the role of this variant in disease. Therefore, it has been classified as a Variant of Uncertain Significance.

NM_019892.6(INPP5E):c.1105G>A (p.Gly369Ser)

Gene: INPP5E (inositol polyphosphate-5-phosphatase E; minus strand). Cytogenetic location: 9q34.3.
Variant type: single nucleotide variant.
Coding change: c.1105G>A on transcript NM_019892.6 (MANE Select); coding-DNA position 1105, G replaced by A.
Protein change: p.Gly369Ser; replaces glycine 369 with serine.
Molecular consequence: missense variant.
Genome position (GRCh38, 1-based): chr9:136,433,209, C>T on the plus strand (G>A on the coding strand, the complement: INPP5E is on the minus strand). VCF-style: chr9-136433209-C-T. GRCh37 (hg19) VCF-style: chr9-139327661-C-T.
Other names: c.1105G>A (NM_019892.5); c.1105G>A, p.Gly369Ser (NM_001318502.2); short protein forms G369S.
Identifiers: ClinVar variation 1370452 (VCV001370452.7), dbSNP rs750574856, ClinGen allele CA5336949.